The following is an entry in ClinVar:

NM_001134363.3(RBM20):c.2358C>G (p.Asp786Glu)

Gene: RBM20 (RNA binding motif protein 20; plus strand). Cytogenetic location: 10q25.2.
Variant type: single nucleotide variant.
Coding change: c.2358C>G on transcript NM_001134363.3 (MANE Select); coding-DNA position 2358, C replaced by G.
Protein change: p.Asp786Glu; replaces aspartic acid 786 with glutamic acid.
Molecular consequence: missense variant.
Genome position (GRCh38, 1-based): chr10:110,812,755, C>G. VCF-style: chr10-110812755-C-G. GRCh37 (hg19) VCF-style: chr10-112572513-C-G.
Other names: short protein forms D786E.
Identifiers: ClinVar variation 3606773 (VCV003606773.3).

ClinVar aggregate classification (germline): Conflicting classifications of pathogenicity. Review status: criteria provided, conflicting classifications (1 of 4 stars). 2 submissions from 2 submitters: Uncertain significance (1); Likely benign (1). Last evaluated 2025-04-19.

Conditions:
Dilated cardiomyopathy 1DD (CMD1DD). Identifiers: Orphanet 154, MedGen C2750995, MONDO:0013168, OMIM 613172.
Cardiovascular phenotype. Identifiers: MedGen CN230736.

gnomAD v4.1: 14 of 1,551,710 alleles (0.0009%); highest among the groups gnomAD compares: Non-Finnish European, 0.0011%; no homozygotes.

Submissions (2):

Ambry Genetics
Classification: Likely benign for Cardiovascular phenotype. Last evaluated: 2025-04-19. Review status: criteria provided, single submitter. Criteria: Ambry Variant Classification Scheme 2023. Collection method: clinical testing. Allele origin: germline.

Labcorp Genetics (formerly Invitae), Labcorp
Classification: Uncertain significance for Dilated cardiomyopathy 1DD. Last evaluated: 2024-09-17. Review status: criteria provided, single submitter. Criteria: Invitae Variant Classification Sherloc (09022015). Collection method: clinical testing. Allele origin: germline.
Comment: This sequence change replaces aspartic acid, which is acidic and polar, with glutamic acid, which is acidic and polar, at codon 786 of the RBM20 protein (p.Asp786Glu). This variant is present in population databases (no rsID available, gnomAD 0.002%). This variant has not been reported in the literature in individuals affected with RBM20-related conditions. Invitae Evidence Modeling of protein sequence and biophysical properties (such as structural, functional, and spatial information, amino acid conservation, physicochemical variation, residue mobility, and thermodynamic stability) indicates that this missense variant is not expected to disrupt RBM20 protein function with a negative predictive value of 95%. In summary, the available evidence is currently insufficient to determine the role of this variant in disease. Therefore, it has been classified as a Variant of Uncertain Significance.